The following is an entry in ClinVar:

NM_007294.4(BRCA1):c.1093A>G (p.Arg365Gly)

Gene: BRCA1 (BRCA1 DNA repair associated; minus strand). Cytogenetic location: 17q21.31.
Variant type: single nucleotide variant.
Coding change: c.1093A>G on transcript NM_007294.4 (MANE Select); coding-DNA position 1093, A replaced by G.
Protein change: p.Arg365Gly; replaces arginine 365 with glycine.
Molecular consequence: missense variant. On other transcripts: intron variant (137).
Genome position (GRCh38, 1-based): chr17:43,094,438, T>C on the plus strand (A>G on the coding strand, the complement: BRCA1 is on the minus strand). VCF-style: chr17-43094438-T-C. GRCh37 (hg19) VCF-style: chr17-41246455-T-C.
Other names: c.709+306A>G (NM_001408412.1, NM_001408409.1, NM_001408414.1 and 2 more transcripts); c.451+306A>G (NM_001408509.1, NM_001408508.1); c.574+306A>G (NM_001408491.1, NM_001408493.1, NM_001408490.1); c.460+1408A>G (NM_001408506.1, NM_001408507.1); c.577+306A>G (NM_001408481.1, NM_001408480.1, NM_001408492.1 and 9 more transcripts); c.778+306A>G (NM_001408408.1); c.661+306A>G (NM_001408446.1, NM_001408435.1, NM_001408448.1 and 6 more transcripts); c.784+306A>G (NM_001408401.1, NM_001408396.1, NM_001407985.1 and 13 more transcripts); and 40 more; short protein forms R318G, R365G, R254G, R276G, R295G, R298G, R339G, R253G.
Identifiers: ClinVar variation 1039705 (VCV001039705.16), dbSNP rs398122627, ClinGen allele CA10599873.

ClinVar aggregate classification (germline): Conflicting classifications of pathogenicity. Review status: criteria provided, conflicting classifications (1 of 4 stars). 4 submissions from 4 submitters: Uncertain significance (3); Likely benign (1). Last evaluated 2023-03-23.

Conditions:
Hereditary cancer-predisposing syndrome. Also called: Neoplastic Syndromes, Hereditary; Hereditary Cancer Syndrome; Tumor predisposition; Hereditary neoplastic syndrome. Identifiers: Orphanet 140162, MedGen C0027672, MeSH D009386, MONDO:0015356.
Hereditary breast ovarian cancer syndrome. Also called: Hereditary breast and ovarian cancer syndrome; Hereditary breast and ovarian cancer syndrome (HBOC); BRCA1- and BRCA2-Associated Hereditary Breast and Ovarian Cancer; Hereditary breast and ovarian cancer; Hereditary breast and/or ovarian cancer syndrome; Breast and ovarian cancer. Identifiers: Orphanet 145, MedGen C0677776, MeSH D061325, MONDO:0003582. Disease mechanism: loss of function.

Submissions (4):

University of Washington Department of Laboratory Medicine, University of Washington
Classification: Likely benign for Hereditary cancer-predisposing syndrome. Last evaluated: 2023-03-23. Review status: criteria provided, single submitter. Criteria: Dines et al. (Genet Med. 2020). Collection method: curation. Allele origin: germline.
Comment: Missense variant in a coldspot region where missense variants are very unlikely to be pathogenic (PMID:31911673).

BRCA1 coldspot (exon 11 using historical exon numbering). Reclassification based on statistical prior probability

Ambry Genetics
Classification: Uncertain significance for Hereditary cancer-predisposing syndrome. Last evaluated: 2022-04-27. Review status: criteria provided, single submitter. Criteria: Ambry Variant Classification Scheme 2023. Collection method: clinical testing. Allele origin: germline.
Comment: The p.R365G variant (also known as c.1093A>G), located in coding exon 9 of the BRCA1 gene, results from an A to G substitution at nucleotide position 1093. The arginine at codon 365 is replaced by glycine, an amino acid with dissimilar properties. This variant was observed in an individual with early onset-breast cancer amongst a cohort of 1781 non-Ashkenazi Jewish individuals undergoing BRCA1/2 gene testing based on a personal history of breast cancer (Tung N et al. Cancer, 2015 Jan;121:25-33). This amino acid position is not well conserved in available vertebrate species. In addition, the in silico prediction for this alteration is inconclusive. Since supporting evidence is limited at this time, the clinical significance of this alteration remains unclear.

Color Diagnostics, LLC DBA Color Health
Classification: Uncertain significance for Hereditary cancer-predisposing syndrome. Last evaluated: 2021-09-16. Review status: criteria provided, single submitter. Criteria: ACMG Guidelines, 2015. Collection method: clinical testing. Allele origin: germline.
Comment: This missense variant replaces arginine with glycine at codon 365 of the BRCA1 protein. Computational prediction is inconclusive regarding the impact of this variant on protein structure and function (internally defined REVEL score threshold 0.5 < inconclusive < 0.7, PMID: 27666373). To our knowledge, functional studies have not been reported for this variant. This variant has not been reported in individuals affected with hereditary cancer in the literature. This variant has not been identified in the general population by the Genome Aggregation Database (gnomAD). The available evidence is insufficient to determine the role of this variant in disease conclusively. Therefore, this variant is classified as a Variant of Uncertain Significance.

Labcorp Genetics (formerly Invitae), Labcorp
Classification: Uncertain significance for Hereditary breast ovarian cancer syndrome. Last evaluated: 2020-10-01. Review status: criteria provided, single submitter. Criteria: Invitae Variant Classification Sherloc (09022015). Collection method: clinical testing. Allele origin: germline.
Comment: In summary, the available evidence is currently insufficient to determine the role of this variant in disease. Therefore, it has been classified as a Variant of Uncertain Significance. Advanced modeling of protein sequence and biophysical properties (such as structural, functional, and spatial information, amino acid conservation, physicochemical variation, residue mobility, and thermodynamic stability) performed at Invitae indicates that this missense variant is not expected to disrupt BRCA1 protein function. This variant has not been reported in the literature in individuals with BRCA1-related conditions. This variant is not present in population databases (ExAC no frequency). This sequence change replaces arginine with glycine at codon 365 of the BRCA1 protein (p.Arg365Gly). The arginine residue is moderately conserved and there is a moderate physicochemical difference between arginine and glycine.

Literature cited by the submitters: PubMed 25186627 (cited by Ambry Genetics).